The following is an entry in ClinVar:

NM_000179.3(MSH6):c.3834C>T (p.Pro1278=)

Gene: MSH6 (mutS homolog 6; plus strand). Cytogenetic location: 2p16.3.
Variant type: single nucleotide variant.
Coding change: c.3834C>T on transcript NM_000179.3 (MANE Select); coding-DNA position 3834, C replaced by T.
Protein change: p.Pro1278=; no amino-acid change (proline 1278 retained).
Molecular consequence: synonymous variant.
Genome position (GRCh38, 1-based): chr2:47,806,484, C>T. VCF-style: chr2-47806484-C-T. GRCh37 (hg19) VCF-style: chr2-48033623-C-T.
Other names: c.3444C>T, p.Pro1148= (NM_001281492.2); c.2928C>T, p.Pro976= (NM_001281493.2, NM_001281494.2).
Identifiers: ClinVar variation 824274 (VCV000824274.10), dbSNP rs1572746412, ClinGen allele CA426122115.

ClinVar aggregate classification (germline): Benign/Likely benign. Review status: criteria provided, multiple submitters, no conflicts (2 of 4 stars). 3 submissions from 3 submitters: Benign (1); Likely benign (2). Last evaluated 2025-01-08.

Conditions:
Hereditary nonpolyposis colorectal neoplasms. Identifiers: MedGen C0009405, MeSH D003123.
Hereditary cancer-predisposing syndrome. Also called: Neoplastic Syndromes, Hereditary; Tumor predisposition; Hereditary neoplastic syndrome; Hereditary Cancer Syndrome. Identifiers: Orphanet 140162, MedGen C0027672, MeSH D009386, MONDO:0015356.
Lynch syndrome 5 (LYNCH5). Also called: Colorectal cancer, hereditary nonpolyposis, type 5; Hereditary non-polyposis colorectal cancer, type 5. Identifiers: Orphanet 144, MedGen C1833477, MONDO:0013710, OMIM 614350. Disease mechanism: loss of function.

Allele frequency attached by ClinVar (database versions not stated): gnomAD exomes below 0.00001.
gnomAD v4.1: 1 of 1,614,022 alleles (0.000062%); highest among the groups gnomAD compares: Admixed American, 0.0017%; no homozygotes.

Submissions (3):

Myriad Genetics, Inc.
Classification: Benign for Lynch syndrome 5. Last evaluated: 2025-01-08. Review status: criteria provided, single submitter. Criteria: Myriad Autosomal Dominant, Autosomal Recessive and X-Linked Classification Criteria (2023). Collection method: clinical testing. Allele origin: unknown.
Comment: This variant is considered benign. This variant is a silent/synonymous amino acid change and it is not expected to impact splicing.

Labcorp Genetics (formerly Invitae), Labcorp
Classification: Likely benign for Hereditary nonpolyposis colorectal neoplasms. Last evaluated: 2022-02-19. Review status: criteria provided, single submitter. Criteria: Invitae Variant Classification Sherloc (09022015). Collection method: clinical testing. Allele origin: germline.

Ambry Genetics
Classification: Likely benign for Hereditary cancer-predisposing syndrome. Last evaluated: 2019-09-04. Review status: criteria provided, single submitter. Criteria: Ambry Variant Classification Scheme 2023. Collection method: clinical testing. Allele origin: germline.